The following is an entry in ClinVar:

ClinVar aggregate classification (germline): Uncertain significance. Review status: criteria provided, multiple submitters, no conflicts (2 of 4 stars). 3 submissions from 3 submitters: Uncertain significance (3). Last evaluated 2025-12-30.

Conditions:
Inborn genetic diseases. Identifiers: MedGen C0950123, MeSH D030342.

Allele frequency attached by ClinVar (database versions not stated): gnomAD exomes 0.00008; ExAC 0.00013; 1000 Genomes Project 30x 0.00094; 1000 Genomes Project 0.00120.

Submissions (3):

Labcorp Genetics (formerly Invitae), Labcorp
Classification: Uncertain significance. Last evaluated: 2025-12-30. Review status: criteria provided, single submitter. Criteria: Invitae Variant Classification Sherloc (09022015). Collection method: clinical testing. Allele origin: germline.
Comment: This sequence change replaces arginine, which is basic and polar, with glutamine, which is neutral and polar, at codon 3246 of the SPEG protein (p.Arg3246Gln). This variant is present in population databases (rs200574374, gnomAD 0.09%). This variant has not been reported in the literature in individuals affected with SPEG-related conditions. ClinVar contains an entry for this variant (Variation ID: 1442258). An algorithm developed to predict the effect of missense changes on protein structure and function (PolyPhen-2) suggests that this variant is likely to be tolerated. In summary, the available evidence is currently insufficient to determine the role of this variant in disease. Therefore, it has been classified as a Variant of Uncertain Significance.

Ambry Genetics
Classification: Uncertain significance for Inborn genetic diseases. Last evaluated: 2025-08-28. Review status: criteria provided, single submitter. Criteria: Ambry Variant Classification Scheme 2023. Collection method: clinical testing. Allele origin: germline.

Blueprint Genetics
Classification: Uncertain significance. Last evaluated: 2024-11-26. Review status: criteria provided, single submitter. Criteria: ACMG Guidelines, 2015. Collection method: clinical testing. Allele origin: germline.

NM_005876.5(SPEG):c.9737G>A (p.Arg3246Gln)

Genes: ASIC4-AS1 (ASIC4 antisense RNA 1; minus strand), SPEG (striated muscle enriched protein kinase; plus strand). Cytogenetic location: 2q35.
Variant type: single nucleotide variant.
Coding change: c.9737G>A on transcript NM_005876.5 (MANE Select); coding-DNA position 9737, G replaced by A.
Protein change: p.Arg3246Gln; replaces arginine 3246 with glutamine.
Molecular consequence: missense variant.
Genome position (GRCh38, 1-based): chr2:219,492,719, G>A. VCF-style: chr2-219492719-G-A. GRCh37 (hg19) VCF-style: chr2-220357441-G-A.
Other names: c.9737G>A (NM_005876.4); short protein forms R3246Q.
Identifiers: ClinVar variation 1442258 (VCV001442258.9), dbSNP rs200574374, ClinGen allele CA2127858.